The following is an entry in ClinVar:

ClinVar aggregate classification (germline): Uncertain significance. Review status: criteria provided, multiple submitters, no conflicts (2 of 4 stars). 2 submissions from 2 submitters: Uncertain significance (2). Last evaluated 2023-02-23.

Conditions:
Cardiovascular phenotype. Identifiers: MedGen CN230736.
Alstrom syndrome (ALMS). Identifiers: Orphanet 64, MedGen C0268425, MONDO:0008763, OMIM 203800.

Allele frequency attached by ClinVar (database versions not stated): gnomAD exomes 0.00002; gnomAD 0.00004; TOPMed 0.00005.
gnomAD v4.1: 12 of 1,613,956 alleles (0.00074%); highest among the groups gnomAD compares: Admixed American, 0.017%; no homozygotes.

Submissions (2):

Ambry Genetics
Classification: Uncertain significance for Cardiovascular phenotype. Last evaluated: 2023-02-23. Review status: criteria provided, single submitter. Criteria: Ambry Variant Classification Scheme 2023. Collection method: clinical testing. Allele origin: germline.
Comment: The p.R3239H variant (also known as c.9716G>A), located in coding exon 11 of the ALMS1 gene, results from a G to A substitution at nucleotide position 9716. The arginine at codon 3239 is replaced by histidine, an amino acid with highly similar properties. This amino acid position is poorly conserved in available vertebrate species. In addition, this alteration is predicted to be tolerated by in silico analysis. Since supporting evidence is limited at this time, the clinical significance of this alteration remains unclear.

Labcorp Genetics (formerly Invitae), Labcorp
Classification: Uncertain significance for Alstrom syndrome. Last evaluated: 2022-05-18. Review status: criteria provided, single submitter. Criteria: Invitae Variant Classification Sherloc (09022015). Collection method: clinical testing. Allele origin: germline.
Comment: This sequence change replaces arginine, which is basic and polar, with histidine, which is basic and polar, at codon 3239 of the ALMS1 protein (p.Arg3239His). This variant is present in population databases (no rsID available, gnomAD 0.01%). This variant has not been reported in the literature in individuals affected with ALMS1-related conditions. Experimental studies and prediction algorithms are not available or were not evaluated, and the functional significance of this variant is currently unknown. In summary, the available evidence is currently insufficient to determine the role of this variant in disease. Therefore, it has been classified as a Variant of Uncertain Significance.

NM_001378454.1(ALMS1):c.9713G>A (p.Arg3238His)

Gene: ALMS1 (ALMS1 centrosome and basal body associated protein; plus strand). Cytogenetic location: 2p13.1.
Variant type: single nucleotide variant.
Coding change: c.9713G>A on transcript NM_001378454.1 (MANE Select); coding-DNA position 9713, G replaced by A.
Protein change: p.Arg3238His; replaces arginine 3238 with histidine.
Molecular consequence: missense variant.
Genome position (GRCh38, 1-based): chr2:73,519,948, G>A. VCF-style: chr2-73519948-G-A. GRCh37 (hg19) VCF-style: chr2-73747075-G-A.
Other names: c.9716G>A, p.Arg3239His (NM_015120.4); short protein forms R3238H, R3239H.
Identifiers: ClinVar variation 1401210 (VCV001401210.4), dbSNP rs1176919572, ClinGen allele CA347281319.